The following is an entry in ClinVar:

NM_175737.4(KLB):c.1148A>T (p.Asn383Ile)

Gene: KLB (klotho beta; plus strand). Cytogenetic location: 4p14.
Variant type: single nucleotide variant.
Coding change: c.1148A>T on transcript NM_175737.4 (MANE Select); coding-DNA position 1148, A replaced by T.
Protein change: p.Asn383Ile; replaces asparagine 383 with isoleucine.
Molecular consequence: missense variant.
Genome position (GRCh38, 1-based): chr4:39,434,532, A>T. VCF-style: chr4-39434532-A-T. GRCh37 (hg19) VCF-style: chr4-39436152-A-T.
Other names: short protein forms N383I.
Identifiers: ClinVar variation 1386104 (VCV001386104.6), dbSNP rs2109836041, ClinGen allele CA356649520.

ClinVar aggregate classification (germline): Uncertain significance (1 of 4 stars; one submission).

Submission:

Labcorp Genetics (formerly Invitae), Labcorp
Classification: Uncertain significance. Last evaluated: 2022-09-13. Review status: criteria provided, single submitter. Criteria: Invitae Variant Classification Sherloc (09022015). Collection method: clinical testing. Allele origin: germline.
Comment: In summary, the available evidence is currently insufficient to determine the role of this variant in disease. Therefore, it has been classified as a Variant of Uncertain Significance. Advanced modeling of protein sequence and biophysical properties (such as structural, functional, and spatial information, amino acid conservation, physicochemical variation, residue mobility, and thermodynamic stability) has been performed at Invitae for this missense variant, however the output from this modeling did not meet the statistical confidence thresholds required to predict the impact of this variant on KLB protein function. ClinVar contains an entry for this variant (Variation ID: 1386104). This variant has not been reported in the literature in individuals affected with KLB-related conditions. This variant is not present in population databases (gnomAD no frequency). This sequence change replaces asparagine, which is neutral and polar, with isoleucine, which is neutral and non-polar, at codon 383 of the KLB protein (p.Asn383Ile).